The following is an entry in ClinVar:

NM_000346.4(SOX9):c.1165C>A (p.Pro389Thr)

Gene: SOX9 (SRY-box transcription factor 9; plus strand). Cytogenetic location: 17q24.3.
Variant type: single nucleotide variant.
Coding change: c.1165C>A on transcript NM_000346.4 (MANE Select); coding-DNA position 1165, C replaced by A.
Protein change: p.Pro389Thr; replaces proline 389 with threonine.
Molecular consequence: missense variant.
Genome position (GRCh38, 1-based): chr17:72,124,022, C>A. VCF-style: chr17-72124022-C-A. GRCh37 (hg19) VCF-style: chr17-70120163-C-A.
Other names: short protein forms P389T.
Identifiers: ClinVar variation 1337868 (VCV001337868.4), dbSNP rs753584114, ClinGen allele CA8739114.

ClinVar aggregate classification (germline): Uncertain significance (1 of 4 stars; one submission).

Allele frequency attached by ClinVar (database versions not stated): TOPMed below 0.00001; gnomAD exomes 0.00002 and 0.00005; ExAC 0.00003.

Submission:

Genetic Services Laboratory, University of Chicago
Classification: Uncertain significance. Last evaluated: 2021-03-10. Review status: criteria provided, single submitter. Criteria: ACMG Guidelines, 2015. Collection method: clinical testing. Allele origin: germline. Affected: no.
Comment: DNA sequence analysis of the SOX9 gene demonstrated a sequence change, c.1165C>A, in exon 3 that results in an amino acid change, p.Pro389Thr. This sequence change has been described in gnomAD with a low population frequency of 0.0054% (dbSNP rs753584114). The p.Pro389Thr change affects a moderately conserved amino acid residue located in a domain of the SOX9 protein that is not known to be functional. The p.Pro389Thr substitution appears to be benign using several in-silico pathogenicity prediction tools (SIFT, PolyPhen2, Align GVGD, REVEL). This sequence change does not appear to have been previously described in patients with SOX9-related disorders. Due to the lack of sufficient evidences, the clinical significance of the p.Pro389Thr change remains unknown at this time.